The following is an entry in ClinVar:

NM_003098.3(SNTA1):c.460G>A (p.Val154Ile)

Genes: SNTA1 (syntrophin alpha 1; minus strand), LOC130065678 (ATAC-STARR-seq lymphoblastoid active region 17731; plus strand). Cytogenetic location: 20q11.21.
Variant type: single nucleotide variant.
Coding change: c.460G>A on transcript NM_003098.3 (MANE Select); coding-DNA position 460, G replaced by A.
Protein change: p.Val154Ile; replaces valine 154 with isoleucine.
Molecular consequence: missense variant.
Genome position (GRCh38, 1-based): chr20:33,438,877, C>T on the plus strand (G>A on the coding strand, the complement: SNTA1 is on the minus strand). VCF-style: chr20-33438877-C-T. GRCh37 (hg19) VCF-style: chr20-32026683-C-T.
Other names: short protein forms V154I.
Identifiers: ClinVar variation 191511 (VCV000191511.3), dbSNP rs200241523, ClinGen allele CA236846.

ClinVar aggregate classification (germline): Conflicting classifications of pathogenicity. Review status: criteria provided, conflicting classifications (1 of 4 stars). 3 submissions from 3 submitters: Uncertain significance (2); Likely benign (1). Last evaluated 2025-06-27.

Conditions:
Cardiovascular phenotype. Identifiers: MedGen CN230736.

Allele frequency attached by ClinVar (database versions not stated): TOPMed 0.00001.

Submissions (3):

Women's Health and Genetics/Laboratory Corporation of America, LabCorp
Classification: Uncertain significance. Last evaluated: 2025-06-27. Review status: criteria provided, single submitter. Criteria: LabCorp Variant Classification Summary - May 2015. Collection method: clinical testing. Allele origin: germline.
Comment: Variant summary: SNTA1 c.460G>A (p.Val154Ile) results in a conservative amino acid change in the encoded protein sequence. Algorithms developed to predict the effect of missense changes on protein structure and function all suggest that this variant is likely to be tolerated. The variant was absent in 251486 control chromosomes. The available data on variant occurrences in the general population are insufficient to allow any conclusion about variant significance. To our knowledge, no occurrence of c.460G>A in individuals affected with Long QT Syndrome and no experimental evidence demonstrating its impact on protein function have been reported. ClinVar contains an entry for this variant (Variation ID: 191511). Based on the evidence outlined above, the variant was classified as uncertain significance.

Ambry Genetics
Classification: Likely benign for Cardiovascular phenotype. Last evaluated: 2024-05-07. Review status: criteria provided, single submitter. Criteria: Ambry Variant Classification Scheme 2023. Collection method: clinical testing. Allele origin: germline.

Biesecker Lab/Clinical Genomics Section, National Institutes of Health
Classification: Uncertain significance. Last evaluated: 2013-06-24. Review status: criteria provided, single submitter. Criteria: Ng et al. (Circ Cardiovasc Genet. 2013). Collection method: research. Allele origin: unknown. Observed: 1 variant allele. Study: ClinSeq.
Comment: The study set was not selected for affection status in relation to any cancer. Pathogenicity categories were based on literature curation. See Pubmed ID:23861362 for details.

Medical sequencing